The following is an entry in ClinVar:

ClinVar aggregate classification (germline): Uncertain significance (1 of 4 stars; one submission).

Allele frequency attached by ClinVar (database versions not stated): gnomAD exomes below 0.00001.
gnomAD v4.1: 1 of 1,614,008 alleles (0.000062%); highest among the groups gnomAD compares: Non-Finnish European, 0.000085%; no homozygotes.

Submission:

Labcorp Genetics (formerly Invitae), Labcorp
Classification: Uncertain significance. Last evaluated: 2021-09-02. Review status: criteria provided, single submitter. Criteria: Invitae Variant Classification Sherloc (09022015). Collection method: clinical testing. Allele origin: germline.
Comment: This sequence change replaces alanine with threonine at codon 331 of the TMC1 protein (p.Ala331Thr). The alanine residue is highly conserved and there is a small physicochemical difference between alanine and threonine. This variant is not present in population databases (ExAC no frequency). This variant has not been reported in the literature in individuals affected with TMC1-related conditions. Algorithms developed to predict the effect of missense changes on protein structure and function are either unavailable or do not agree on the potential impact of this missense change (SIFT: "Tolerated"; PolyPhen-2: "Probably Damaging"; Align-GVGD: "Class C0"). In summary, the available evidence is currently insufficient to determine the role of this variant in disease. Therefore, it has been classified as a Variant of Uncertain Significance.

NM_138691.3(TMC1):c.991G>A (p.Ala331Thr)

Gene: TMC1 (transmembrane channel like 1; plus strand). Cytogenetic location: 9q21.13.
Variant type: single nucleotide variant.
Coding change: c.991G>A on transcript NM_138691.3 (MANE Select); coding-DNA position 991, G replaced by A.
Protein change: p.Ala331Thr; replaces alanine 331 with threonine.
Molecular consequence: missense variant.
Genome position (GRCh38, 1-based): chr9:72,788,445, G>A. VCF-style: chr9-72788445-G-A. GRCh37 (hg19) VCF-style: chr9-75403361-G-A.
Other names: short protein forms A331T.
Identifiers: ClinVar variation 1369596 (VCV001369596.5), dbSNP rs1470897776, ClinGen allele CA373504594.